The following is an entry in ClinVar:

ClinVar aggregate classification (germline): Uncertain significance (1 of 4 stars; one submission).

Allele frequency attached by ClinVar (database versions not stated): gnomAD exomes below 0.00001.
gnomAD v4.1: 1 of 1,613,186 alleles (0.000062%); highest among the groups gnomAD compares: Non-Finnish European, 0.000085%; no homozygotes.

Submission:

GeneDx
Classification: Uncertain significance. Last evaluated: 2021-01-14. Review status: criteria provided, single submitter. Criteria: GeneDx Variant Classification Process June 2021. Collection method: clinical testing. Allele origin: germline. Affected: yes.
Comment: Not observed in large population cohorts (Lek et al., 2016); In silico analysis supports that this missense variant does not alter protein structure/function; Has not been previously published as pathogenic or benign to our knowledge

NM_144498.4(OSBPL2):c.1099A>G (p.Asn367Asp)

Gene: OSBPL2 (oxysterol binding protein like 2; plus strand). Cytogenetic location: 20q13.33.
Variant type: single nucleotide variant.
Coding change: c.1099A>G on transcript NM_144498.4 (MANE Select); coding-DNA position 1099, A replaced by G.
Protein change: p.Asn367Asp; replaces asparagine 367 with aspartic acid.
Molecular consequence: missense variant.
Genome position (GRCh38, 1-based): chr20:62,286,685, A>G. VCF-style: chr20-62286685-A-G. GRCh37 (hg19) VCF-style: chr20-60861741-A-G.
Other names: c.823A>G, p.Asn275Asp (NM_001278649.3, NM_001363878.2); c.1063A>G, p.Asn355Asp (NM_014835.5); short protein forms N275D, N355D, N367D.
Identifiers: ClinVar variation 1314004 (VCV001314004.2), dbSNP rs2145974518, ClinGen allele CA409518099.